The following is an entry in ClinVar:

NM_020937.4(FANCM):c.100A>T (p.Ser34Cys)

Genes: FANCM (FA complementation group M; plus strand), LOC130055524 (ATAC-STARR-seq lymphoblastoid active region 8299; plus strand). Cytogenetic location: 14q21.2.
Variant type: single nucleotide variant.
Coding change: c.100A>T on transcript NM_020937.4 (MANE Select); coding-DNA position 100, A replaced by T.
Protein change: p.Ser34Cys; replaces serine 34 with cysteine.
Molecular consequence: missense variant.
Genome position (GRCh38, 1-based): chr14:45,136,131, A>T. VCF-style: chr14-45136131-A-T. GRCh37 (hg19) VCF-style: chr14-45605334-A-T.
Other names: c.100A>T, p.Ser34Cys (NM_001308133.2, NM_001308134.2); short protein forms S34C.
Identifiers: ClinVar variation 3848762 (VCV003848762.1).

ClinVar aggregate classification (germline): Uncertain significance (1 of 4 stars; one submission).

Conditions:
Inborn genetic diseases. Identifiers: MedGen C0950123, MeSH D030342.

gnomAD v4.1: 1 of 1,614,142 alleles (0.000062%); highest among the groups gnomAD compares: African/African-American, 0.0013%; no homozygotes.

Submission:

Ambry Genetics
Classification: Uncertain significance for Inborn genetic diseases. Last evaluated: 2025-02-24. Review status: criteria provided, single submitter. Criteria: Ambry Variant Classification Scheme 2023. Collection method: clinical testing. Allele origin: germline.
Comment: The p.S34C variant (also known as c.100A>T), located in coding exon 1 of the FANCM gene, results from an A to T substitution at nucleotide position 100. The serine at codon 34 is replaced by cysteine, an amino acid with dissimilar properties. This amino acid position is conserved. In addition, this alteration is predicted to be tolerated by in silico analysis. Based on the available evidence, the clinical significance of this variant remains unclear.